The following is an entry in ClinVar:

NM_022454.4(SOX17):c.1075G>T (p.Asp359Tyr)

Gene: SOX17 (SRY-box transcription factor 17; plus strand). Cytogenetic location: 8q11.23.
Variant type: single nucleotide variant.
Coding change: c.1075G>T on transcript NM_022454.4 (MANE Select); coding-DNA position 1075, G replaced by T.
Protein change: p.Asp359Tyr; replaces aspartic acid 359 with tyrosine.
Molecular consequence: missense variant.
Genome position (GRCh38, 1-based): chr8:54,459,825, G>T. VCF-style: chr8-54459825-G-T. GRCh37 (hg19) VCF-style: chr8-55372385-G-T.
Other names: short protein forms D359Y.
Identifiers: ClinVar variation 1948174 (VCV001948174.5), dbSNP rs780951017, ClinGen allele CA4751015.

ClinVar aggregate classification (germline): Uncertain significance (1 of 4 stars; one submission).

Allele frequency attached by ClinVar (database versions not stated): gnomAD exomes below 0.00001; ExAC 0.00001.

Submission:

Labcorp Genetics (formerly Invitae), Labcorp
Classification: Uncertain significance. Last evaluated: 2022-09-26. Review status: criteria provided, single submitter. Criteria: Invitae Variant Classification Sherloc (09022015). Collection method: clinical testing. Allele origin: germline.
Comment: Algorithms developed to predict the effect of missense changes on protein structure and function are either unavailable or do not agree on the potential impact of this missense change (SIFT: "Deleterious"; PolyPhen-2: "Possibly Damaging"; Align-GVGD: "Class C0"). This sequence change replaces aspartic acid, which is acidic and polar, with tyrosine, which is neutral and polar, at codon 359 of the SOX17 protein (p.Asp359Tyr). This variant is present in population databases (rs780951017, gnomAD 0.0009%). This variant has not been reported in the literature in individuals affected with SOX17-related conditions. In summary, the available evidence is currently insufficient to determine the role of this variant in disease. Therefore, it has been classified as a Variant of Uncertain Significance.